The following is an entry in ClinVar:

ClinVar aggregate classification (germline): Uncertain significance. Review status: criteria provided, multiple submitters, no conflicts (2 of 4 stars). 2 submissions from 2 submitters: Uncertain significance (2). Last evaluated 2023-12-04.

Conditions:
Hereditary cancer-predisposing syndrome. Also called: Neoplastic Syndromes, Hereditary; Tumor predisposition; Hereditary Cancer Syndrome; Hereditary neoplastic syndrome. Identifiers: Orphanet 140162, MedGen C0027672, MeSH D009386, MONDO:0015356.
Familial adenomatous polyposis 1 (FAP1). Also called: FAMILIAL ADENOMATOUS POLYPOSIS 1, ATTENUATED; POLYPOSIS, ADENOMATOUS INTESTINAL. Identifiers: MedGen C2713442, MONDO:0021056, OMIM 175100. Disease mechanism: loss of function.

Submissions (2):

Color Diagnostics, LLC DBA Color Health
Classification: Uncertain significance for Hereditary cancer-predisposing syndrome. Last evaluated: 2023-12-04. Review status: criteria provided, single submitter. Criteria: ACMG Guidelines, 2015. Collection method: clinical testing. Allele origin: germline.
Comment: This missense variant replaces leucine with phenylalanine at codon 1601 of the APC protein. Computational prediction suggests that this variant may not impact protein structure and function (internally defined REVEL score threshold <= 0.5, PMID: 27666373). To our knowledge, functional studies have not been reported for this variant. This variant has not been reported in individuals affected with APC-related disorders in the literature. This variant has not been identified in the general population by the Genome Aggregation Database (gnomAD). The available evidence is insufficient to determine the role of this variant in disease conclusively. Therefore, this variant is classified as a Variant of Uncertain Significance.

Labcorp Genetics (formerly Invitae), Labcorp
Classification: Uncertain significance for Familial adenomatous polyposis 1. Last evaluated: 2023-02-14. Review status: criteria provided, single submitter. Criteria: Invitae Variant Classification Sherloc (09022015). Collection method: clinical testing. Allele origin: germline.
Comment: This sequence change replaces leucine, which is neutral and non-polar, with phenylalanine, which is neutral and non-polar, at codon 1601 of the APC protein (p.Leu1601Phe). This variant is not present in population databases (gnomAD no frequency). This variant has not been reported in the literature in individuals affected with APC-related conditions. ClinVar contains an entry for this variant (Variation ID: 921027). Advanced modeling of protein sequence and biophysical properties (such as structural, functional, and spatial information, amino acid conservation, physicochemical variation, residue mobility, and thermodynamic stability) performed at Invitae indicates that this missense variant is not expected to disrupt APC protein function. In summary, the available evidence is currently insufficient to determine the role of this variant in disease. Therefore, it has been classified as a Variant of Uncertain Significance.

NM_000038.6(APC):c.4803A>C (p.Leu1601Phe)

Gene: APC (APC regulator of Wnt signaling pathway; plus strand). Cytogenetic location: 5q22.2.
Variant type: single nucleotide variant.
Coding change: c.4803A>C on transcript NM_000038.6 (MANE Select); coding-DNA position 4803, A replaced by C.
Protein change: p.Leu1601Phe; replaces leucine 1601 with phenylalanine.
Molecular consequence: missense variant.
Genome position (GRCh38, 1-based): chr5:112,840,397, A>C. VCF-style: chr5-112840397-A-C. GRCh37 (hg19) VCF-style: chr5-112176094-A-C.
Other names: c.4803A>C, p.Leu1601Phe (NM_001127510.3, NM_001354895.2); c.4749A>C, p.Leu1583Phe (NM_001127511.3); c.4857A>C, p.Leu1619Phe (NM_001354896.2); c.4833A>C, p.Leu1611Phe (NM_001354897.2); c.4728A>C, p.Leu1576Phe (NM_001354898.2); c.4719A>C, p.Leu1573Phe (NM_001354899.2); c.4680A>C, p.Leu1560Phe (NM_001354900.2); c.4626A>C, p.Leu1542Phe (NM_001354901.2); and 5 more; short protein forms L1583F, L1475F, L1542F, L1611F, L1318F, L1500F, L1510F, L1560F.
Identifiers: ClinVar variation 921027 (VCV000921027.7), dbSNP rs1580652754, ClinGen allele CA16031857.